The following is an entry in ClinVar:

ClinVar aggregate classification (germline): Uncertain significance (1 of 4 stars; one submission).

Submission:

Labcorp Genetics (formerly Invitae), Labcorp
Classification: Uncertain significance. Last evaluated: 2024-11-11. Review status: criteria provided, single submitter. Criteria: Invitae Variant Classification Sherloc (09022015). Collection method: clinical testing. Allele origin: germline.
Comment: This sequence change replaces lysine, which is basic and polar, with arginine, which is basic and polar, at codon 1806 of the PCLO protein (p.Lys1806Arg). This variant is not present in population databases (gnomAD no frequency). This variant has not been reported in the literature in individuals affected with PCLO-related conditions. ClinVar contains an entry for this variant (Variation ID: 2008979). Experimental studies and prediction algorithms are not available or were not evaluated, and the functional significance of this variant is currently unknown. In summary, the available evidence is currently insufficient to determine the role of this variant in disease. Therefore, it has been classified as a Variant of Uncertain Significance.

NM_033026.6(PCLO):c.5417A>G (p.Lys1806Arg)

Gene: PCLO (piccolo presynaptic cytomatrix protein; minus strand). Cytogenetic location: 7q21.11.
Variant type: single nucleotide variant.
Coding change: c.5417A>G on transcript NM_033026.6 (MANE Select); coding-DNA position 5417, A replaced by G.
Protein change: p.Lys1806Arg; replaces lysine 1806 with arginine.
Molecular consequence: missense variant.
Genome position (GRCh38, 1-based): chr7:82,955,536, T>C on the plus strand (A>G on the coding strand, the complement: PCLO is on the minus strand). VCF-style: chr7-82955536-T-C. GRCh37 (hg19) VCF-style: chr7-82584852-T-C.
Other names: c.5417A>G, p.Lys1806Arg (NM_014510.3); short protein forms K1806R.
Identifiers: ClinVar variation 2008979 (VCV002008979.3), dbSNP rs2535707212, ClinGen allele CA367924299.